The following is an entry in ClinVar:

ClinVar aggregate classification (germline): Uncertain significance (1 of 4 stars; one submission).

Conditions:
Hypertrophic cardiomyopathy. Also called: HYPERTROPHIC MYOCARDIOPATHY. Identifiers: Orphanet 217569, MedGen C0007194, MeSH D002312, MONDO:0005045, HP:0001639.

Allele frequency attached by ClinVar (database versions not stated): TOPMed 0.00001.

Submission:

Labcorp Genetics (formerly Invitae), Labcorp
Classification: Uncertain significance for Hypertrophic cardiomyopathy. Last evaluated: 2025-05-29. Review status: criteria provided, single submitter. Criteria: Invitae Variant Classification Sherloc (09022015). Collection method: clinical testing. Allele origin: germline.
Comment: This sequence change replaces valine, which is neutral and non-polar, with phenylalanine, which is neutral and non-polar, at codon 671 of the MYBPC3 protein (p.Val671Phe). This variant is not present in population databases (gnomAD no frequency). This variant has not been reported in the literature in individuals affected with MYBPC3-related conditions. ClinVar contains an entry for this variant (Variation ID: 568669). An algorithm developed to predict the effect of missense changes on protein structure and function (PolyPhen-2) suggests that this variant is likely to be disruptive. In summary, the available evidence is currently insufficient to determine the role of this variant in disease. Therefore, it has been classified as a Variant of Uncertain Significance.

NM_000256.3(MYBPC3):c.2011G>T (p.Val671Phe)

Gene: MYBPC3 (myosin binding protein C3; minus strand). Cytogenetic location: 11p11.2.
Variant type: single nucleotide variant.
Coding change: c.2011G>T on transcript NM_000256.3 (MANE Select); coding-DNA position 2011, G replaced by T.
Protein change: p.Val671Phe; replaces valine 671 with phenylalanine.
Molecular consequence: missense variant.
Genome position (GRCh38, 1-based): chr11:47,339,707, C>A on the plus strand (G>T on the coding strand, the complement: MYBPC3 is on the minus strand). VCF-style: chr11-47339707-C-A. GRCh37 (hg19) VCF-style: chr11-47361258-C-A.
Other names: c.2011G>T, p.Val671Phe (LRG_386t1); short protein forms V671F.
Identifiers: ClinVar variation 568669 (VCV000568669.10), dbSNP rs876657869, ClinGen allele CA380321601.